The following is an entry in ClinVar:

ClinVar aggregate classification (germline): Likely benign. Review status: criteria provided, multiple submitters, no conflicts (2 of 4 stars). 3 submissions from 3 submitters: Likely benign (3). Last evaluated 2026-06-19.

Conditions:
DSPP-related disorder. Also called: DSPP-related condition.

Allele frequency attached by ClinVar (database versions not stated): ExAC 0.00009; gnomAD 0.00027 and 0.00031; ESP Exome Variant Server 0.00033.
gnomAD v4.1: 90 of 1,613,918 alleles (0.0056%); highest among the groups gnomAD compares: African/African-American, 0.11%; no homozygotes.

Submissions (3):

PreventionGenetics, part of Exact Sciences
Classification: Likely benign for DSPP-related condition. Last evaluated: 2026-06-19. Review status: criteria provided, single submitter. Criteria: ACMG Guidelines, 2015. Collection method: clinical testing. Allele origin: germline.
Comment: This variant is classified as likely benign based on ACMG/AMP sequence variant interpretation guidelines (Richards et al. 2015 PMID: 25741868, with internal and published modifications).

Labcorp Genetics (formerly Invitae), Labcorp
Classification: Likely benign. Last evaluated: 2025-09-27. Review status: criteria provided, single submitter. Criteria: Invitae Variant Classification Sherloc (09022015). Collection method: clinical testing. Allele origin: germline.

GeneDx
Classification: Likely benign. Last evaluated: 2020-05-20. Review status: criteria provided, single submitter. Criteria: GeneDx Variant Classification Process June 2021. Collection method: clinical testing. Allele origin: germline. Affected: yes.
Comment: In silico analysis supports that this missense variant does not alter protein structure/function Has not been previously published as pathogenic or benign to our knowledge

NM_014208.3(DSPP):c.148G>C (p.Ala50Pro)

Genes: DMP1-AS1 (DMP1 and DSPP antisense RNA 1; minus strand), DSPP (dentin sialophosphoprotein; plus strand). Cytogenetic location: 4q22.1.
Variant type: single nucleotide variant.
Coding change: c.148G>C on transcript NM_014208.3 (MANE Select); coding-DNA position 148, G replaced by C.
Protein change: p.Ala50Pro; replaces alanine 50 with proline.
Molecular consequence: missense variant.
Genome position (GRCh38, 1-based): chr4:87,612,334, G>C. VCF-style: chr4-87612334-G-C. GRCh37 (hg19) VCF-style: chr4-88533486-G-C.
Other names: short protein forms A50P.
Identifiers: ClinVar variation 1194811 (VCV001194811.8), dbSNP rs376270964, ClinGen allele CA3000841.